The following is an entry in ClinVar:

NM_001267550.2(TTN):c.100299G>T (p.Glu33433Asp)

Genes: TTN (titin; minus strand), TTN-AS1 (TTN antisense RNA 1; plus strand), LOC126806420 (BRD4-independent group 4 enhancer GRCh37_chr2:179401104-179402303; plus strand). Cytogenetic location: 2q31.2.
Variant type: single nucleotide variant.
Coding change: c.100299G>T on transcript NM_001267550.2 (MANE Select); coding-DNA position 100299, G replaced by T.
Protein change: p.Glu33433Asp; replaces glutamic acid 33433 with aspartic acid.
Molecular consequence: missense variant.
Genome position (GRCh38, 1-based): chr2:178,536,448, C>A on the plus strand (G>T on the coding strand, the complement: TTN is on the minus strand). VCF-style: chr2-178536448-C-A. GRCh37 (hg19) VCF-style: chr2-179401175-C-A.
Other names: c.95376G>T, p.Glu31792Asp (NM_001256850.1); c.73104G>T, p.Glu24368Asp (NM_003319.4); c.92595G>T, p.Glu30865Asp (NM_133378.4); c.73479G>T, p.Glu24493Asp (NM_133432.3); c.73680G>T, p.Glu24560Asp (NM_133437.4); short protein forms E30865D, E33433D, E24560D, E24368D, E24493D, E31792D.
Identifiers: ClinVar variation 498715 (VCV000498715.6), dbSNP rs879015914, ClinGen allele CA60960891.
Genomic context (GRCh38, chr2:178,536,448, plus strand): 5'-TGAAAAGACAGTTTCTCGAATTTCTTCTGTTGTCACAGAAATCCATTTATTCTGCTTCTT[C>A]TCACGCTTCTCAAGGTAGTAATTTCTAATCTTTGCACCTCCATCACTGGCAGGTGGCTTC-3'
Protein context (NP_001254479.2, residues 33423-33443): KIRNYYLEKR[Glu33433Asp]KKQNKWISVT

ClinVar aggregate classification (germline): Uncertain significance. Review status: criteria provided, multiple submitters, no conflicts (2 of 4 stars). 2 submissions from 2 submitters: Uncertain significance (2). Last evaluated 2026-06-19.

Conditions:
TTN-related disorder. Also called: TTN-related condition; TTN-related disease; TTN-related disorders.

Allele frequency attached by ClinVar (database versions not stated): gnomAD exomes below 0.00001 and 0.00002; gnomAD 0.00005 and 0.00006; TOPMed 0.00006.
gnomAD v4.1: 12 of 1,610,846 alleles (0.00074%); highest among the groups gnomAD compares: African/African-American, 0.015%; no homozygotes.

Submissions (2):

PreventionGenetics, part of Exact Sciences
Classification: Uncertain significance for TTN-related condition. Last evaluated: 2026-06-19. Review status: criteria provided, single submitter. Criteria: ACMG Guidelines, 2015. Collection method: clinical testing. Allele origin: germline.
Comment: The TTN c.100299G>T variant is predicted to result in the amino acid substitution p.Glu33433Asp. To our knowledge, this variant has not been reported in the literature. This variant is reported in 0.026% of alleles in individuals of African descent in gnomAD. At this time, the clinical significance of this variant is uncertain due to the absence of conclusive functional and genetic evidence.

Eurofins Ntd Llc (ga)
Classification: Uncertain significance. Last evaluated: 2016-12-01. Review status: criteria provided, single submitter. Criteria: EGL Classification Definitions 2015. Collection method: clinical testing. Allele origin: germline. Observed: 1 variant allele, 1 heterozygote.